The following is an entry in ClinVar:

NM_005515.4(MNX1):c.712C>A (p.Leu238Met)

Genes: MNX1 (motor neuron and pancreas homeobox 1; minus strand), MNX1-AS2 (MNX1 antisense RNA 2; plus strand). Cytogenetic location: 7q36.3.
Variant type: single nucleotide variant.
Coding change: c.712C>A on transcript NM_005515.4 (MANE Select); coding-DNA position 712, C replaced by A.
Protein change: p.Leu238Met; replaces leucine 238 with methionine.
Molecular consequence: missense variant.
Genome position (GRCh38, 1-based): chr7:157,006,619, G>T on the plus strand (C>A on the coding strand, the complement: MNX1 is on the minus strand). VCF-style: chr7-157006619-G-T. GRCh37 (hg19) VCF-style: chr7-156799313-G-T.
Other names: c.76C>A, p.Leu26Met (NM_001165255.2); short protein forms L238M, L26M.
Identifiers: ClinVar variation 2901210 (VCV002901210.3), dbSNP rs2537773986, ClinGen allele CA370163290.

ClinVar aggregate classification (germline): Uncertain significance (1 of 4 stars; one submission).

Submission:

Labcorp Genetics (formerly Invitae), Labcorp
Classification: Uncertain significance. Last evaluated: 2023-06-21. Review status: criteria provided, single submitter. Criteria: Invitae Variant Classification Sherloc (09022015). Collection method: clinical testing. Allele origin: germline.
Comment: In summary, the available evidence is currently insufficient to determine the role of this variant in disease. Therefore, it has been classified as a Variant of Uncertain Significance. Advanced modeling of protein sequence and biophysical properties (such as structural, functional, and spatial information, amino acid conservation, physicochemical variation, residue mobility, and thermodynamic stability) performed at Invitae indicates that this missense variant is not expected to disrupt MNX1 protein function. This variant has not been reported in the literature in individuals affected with MNX1-related conditions. This variant is not present in population databases (gnomAD no frequency). This sequence change replaces leucine, which is neutral and non-polar, with methionine, which is neutral and non-polar, at codon 238 of the MNX1 protein (p.Leu238Met).